The following is an entry in ClinVar:

NM_001378615.1(CC2D2A):c.1591A>G (p.Lys531Glu)

Genes: CC2D2A (coiled-coil and C2 domain containing 2A; plus strand), FBXL5 (F-box and leucine rich repeat protein 5; minus strand). Cytogenetic location: 4p15.32.
Variant type: single nucleotide variant.
Coding change: c.1591A>G on transcript NM_001378615.1 (MANE Select); coding-DNA position 1591, A replaced by G.
Protein change: p.Lys531Glu; replaces lysine 531 with glutamic acid.
Molecular consequence: missense variant.
Genome position (GRCh38, 1-based): chr4:15,533,317, A>G. VCF-style: chr4-15533317-A-G. GRCh37 (hg19) VCF-style: chr4-15534940-A-G.
Other names: c.1591A>G, p.Lys531Glu (NM_001080522.2); c.1444A>G, p.Lys482Glu (NM_001378617.1); short protein forms K482E, K531E.
Identifiers: ClinVar variation 4789742 (VCV004789742.1).

ClinVar aggregate classification (germline): Uncertain significance (1 of 4 stars; one submission).

Conditions:
Joubert syndrome. Also called: JOUBERT-BOLTSHAUSER SYNDROME; Familial aplasia of the vermis. Identifiers: Orphanet 475, MedGen C5979921, MONDO:0018772.
Meckel-Gruber syndrome. Also called: DYSENCEPHALIA SPLANCHNOCYSTICA; GRUBER SYNDROME; Dysencephalia splachnocystica. Identifiers: Orphanet 564, MedGen C0265215, MONDO:0018921.

Submission:

Labcorp Genetics (formerly Invitae), Labcorp
Classification: Uncertain significance for Joubert syndrome; Meckel-Gruber syndrome. Last evaluated: 2025-02-11. Review status: criteria provided, single submitter. Criteria: Invitae Variant Classification Sherloc (09022015). Collection method: clinical testing. Allele origin: germline.
Comment: This sequence change replaces lysine, which is basic and polar, with glutamic acid, which is acidic and polar, at codon 531 of the CC2D2A protein (p.Lys531Glu). This variant is not present in population databases (gnomAD no frequency). This variant has not been reported in the literature in individuals affected with CC2D2A-related conditions. Invitae Evidence Modeling of protein sequence and biophysical properties (such as structural, functional, and spatial information, amino acid conservation, physicochemical variation, residue mobility, and thermodynamic stability) has been performed for this missense variant. However, the output from this modeling did not meet the statistical confidence thresholds required to predict the impact of this variant on CC2D2A protein function. In summary, the available evidence is currently insufficient to determine the role of this variant in disease. Therefore, it has been classified as a Variant of Uncertain Significance.